The following is an entry in ClinVar:

NM_015450.3(POT1):c.365A>G (p.Tyr122Cys)

Gene: POT1 (protection of telomeres 1; minus strand). Cytogenetic location: 7q31.33.
Variant type: single nucleotide variant.
Coding change: c.365A>G on transcript NM_015450.3 (MANE Select); coding-DNA position 365, A replaced by G.
Protein change: p.Tyr122Cys; replaces tyrosine 122 with cysteine.
Molecular consequence: missense variant. On other transcripts: 5 prime UTR variant (1), non-coding transcript variant (3).
Genome position (GRCh38, 1-based): chr7:124,863,531, T>C on the plus strand (A>G on the coding strand, the complement: POT1 is on the minus strand). VCF-style: chr7-124863531-T-C. GRCh37 (hg19) VCF-style: chr7-124503585-T-C.
Other names: c.-29A>G (NM_001042594.2); short protein forms Y122C.
Identifiers: ClinVar variation 570751 (VCV000570751.23), dbSNP rs1562993384, ClinGen allele CA369059817.

ClinVar aggregate classification (germline): Conflicting classifications of pathogenicity. Review status: criteria provided, conflicting classifications (1 of 4 stars). 3 submissions from 3 submitters: Uncertain significance (2); Likely benign (1). Last evaluated 2025-04-24.

Conditions:
Tumor predisposition syndrome 3 (TPDS3). Also called: Melanoma, cutaneous malignant, susceptibility to, 10; Glioma susceptibility 9; LONG TELOMERE SYNDROME, POT1-RELATED; POT1 Tumor Predisposition. Identifiers: Orphanet 618, MedGen C4014476, MONDO:0014368, OMIM 615848.
Hereditary cancer-predisposing syndrome. Also called: Tumor predisposition; Hereditary Cancer Syndrome; Hereditary neoplastic syndrome; Neoplastic Syndromes, Hereditary. Identifiers: Orphanet 140162, MedGen C0027672, MeSH D009386, MONDO:0015356.

gnomAD v4.1: 1 of 1,613,952 alleles (0.000062%); no homozygotes.

Submissions (3):

Labcorp Genetics (formerly Invitae), Labcorp
Classification: Uncertain significance for Tumor predisposition syndrome 3. Last evaluated: 2025-04-24. Review status: criteria provided, single submitter. Criteria: Invitae Variant Classification Sherloc (09022015). Collection method: clinical testing. Allele origin: germline.
Comment: This sequence change replaces tyrosine, which is neutral and polar, with cysteine, which is neutral and slightly polar, at codon 122 of the POT1 protein (p.Tyr122Cys). This variant is not present in population databases (gnomAD no frequency). This variant has not been reported in the literature in individuals affected with POT1-related conditions. ClinVar contains an entry for this variant (Variation ID: 570751). Invitae Evidence Modeling of protein sequence and biophysical properties (such as structural, functional, and spatial information, amino acid conservation, physicochemical variation, residue mobility, and thermodynamic stability) indicates that this missense variant is not expected to disrupt POT1 protein function with a negative predictive value of 80%. In summary, the available evidence is currently insufficient to determine the role of this variant in disease. Therefore, it has been classified as a Variant of Uncertain Significance.

CeGaT Center for Human Genetics Tuebingen
Classification: Uncertain significance. Last evaluated: 2024-10-01. Review status: criteria provided, single submitter. Criteria: CeGaT Center For Human Genetics Tuebingen Variant Classification Criteria Version 2. Collection method: clinical testing. Allele origin: germline. Affected: yes. Observed: 1 variant allele.
Comment: POT1: PM2, BP4

Ambry Genetics
Classification: Likely benign for Hereditary cancer-predisposing syndrome. Last evaluated: 2023-11-28. Review status: criteria provided, single submitter. Criteria: Ambry Variant Classification Scheme 2023. Collection method: clinical testing. Allele origin: germline.